The following is an entry in ClinVar:

NM_000127.3(EXT1):c.936T>A (p.Cys312Ter)

Gene: EXT1 (exostosin glycosyltransferase 1; minus strand). Cytogenetic location: 8q24.11.
Variant type: single nucleotide variant.
Coding change: c.936T>A on transcript NM_000127.3 (MANE Select); coding-DNA position 936, T replaced by A.
Protein change: p.Cys312Ter; replaces cysteine 312 with a stop codon.
Molecular consequence: nonsense.
Genome position (GRCh38, 1-based): chr8:118,110,111, A>T on the plus strand (T>A on the coding strand, the complement: EXT1 is on the minus strand). VCF-style: chr8-118110111-A-T. GRCh37 (hg19) VCF-style: chr8-119122350-A-T.
Other names: short protein forms C312*.
Identifiers: ClinVar variation 1339212 (VCV001339212.2), dbSNP rs2130041053, ClinGen allele CA371914718.

ClinVar aggregate classification (germline): Likely pathogenic (1 of 4 stars; one submission).

Conditions:
Multiple congenital exostosis (EXT). Also called: Multiple exostoses; Multiple osteochondromas; Hereditary multiple exostoses; Hereditary multiple exostosis; MULTIPLE CARTILAGINOUS EXOSTOSES; Hereditary multiple osteochondromas. Identifiers: Orphanet 321, MedGen C0015306, MONDO:0005508, HP:0002762.

Submission:

Neuberg Centre For Genomic Medicine, NCGM
Classification: Likely pathogenic for Exostoses, multiple, type 1. Review status: criteria provided, single submitter. Criteria: ACMG Guidelines, 2015. Collection method: clinical testing. Allele origin: germline. Affected: yes.
Comment: The stop gained p.C312* in EXT1 (NM_000127.3) has not been reported previously as a pathogenic variant nor as a benign variant, to our knowledge. The p.C312* variant is novel (not in any individuals) in gnomAD Exomes and is novel (not in any individuals) in 1000 Genomes. This variant is predicted to cause loss of normal protein function through protein truncation. Loss of function variants have been reported previously to be disease causing in similarly affected patients. For these reasons, this variant has been classified as Likely Pathogenic.